The following is an entry in ClinVar:

NM_000208.4(INSR):c.509dup (p.Asn170fs)

Gene: INSR (insulin receptor; minus strand). Cytogenetic location: 19p13.2.
Variant type: Duplication.
Coding change: c.509dup on transcript NM_000208.4 (MANE Select); coding-DNA position 509, one base duplicated (A; older notation c.509dupA).
Protein change: p.Asn170fs; shifts the reading frame from asparagine 170.
Molecular consequence: frameshift variant.
Genome position (GRCh38, 1-based): chr19:7,267,488, T duplicated on the plus strand (A on the coding strand, the reverse complement: INSR is on the minus strand); the first of 2 consecutive T bases (chr19:7,267,488-7,267,489); duplicating either gives the same sequence. VCF-style (leftmost placement, unchanged base first): chr19-7267487-A-AT. GRCh37 (hg19) VCF-style: chr19-7267498-A-AT.
Other names: c.509dup, p.Asn170fs (NM_001079817.3); short protein forms N170fs.
Identifiers: ClinVar variation 2033150 (VCV002033150.4), dbSNP rs2512519945, ClinGen allele CA2580097055.

ClinVar aggregate classification (germline): Pathogenic (1 of 4 stars; one submission).

Submission:

Labcorp Genetics (formerly Invitae), Labcorp
Classification: Pathogenic. Last evaluated: 2022-09-28. Review status: criteria provided, single submitter. Criteria: Invitae Variant Classification Sherloc (09022015). Collection method: clinical testing. Allele origin: germline.
Comment: For these reasons, this variant has been classified as Pathogenic. This variant has not been reported in the literature in individuals affected with INSR-related conditions. This variant is not present in population databases (gnomAD no frequency). This sequence change creates a premature translational stop signal (p.Asn170Lysfs*9) in the INSR gene. It is expected to result in an absent or disrupted protein product. Loss-of-function variants in INSR are known to be pathogenic (PMID: 12023989, 26160152).

Literature cited by the submitters: PubMed 12023989; PubMed 26160152.